The following is an entry in ClinVar:

ClinVar aggregate classification (germline): Benign/Likely benign. Review status: criteria provided, multiple submitters, no conflicts (2 of 4 stars). 10 submissions from 10 submitters: Benign (1); Likely benign (8). 1 of the submissions does not count toward it. Last evaluated 2026-08-01.

Conditions:
APC-related disorder. Also called: APC-related condition.
Hereditary cancer-predisposing syndrome. Also called: Neoplastic Syndromes, Hereditary; Tumor predisposition; Hereditary neoplastic syndrome; Hereditary Cancer Syndrome. Identifiers: Orphanet 140162, MedGen C0027672, MeSH D009386, MONDO:0015356.
Familial adenomatous polyposis 1 (FAP1). Also called: POLYPOSIS, ADENOMATOUS INTESTINAL; FAMILIAL ADENOMATOUS POLYPOSIS 1, ATTENUATED. Identifiers: MedGen C2713442, MONDO:0021056, OMIM 175100. Disease mechanism: loss of function.

Allele frequency attached by ClinVar (database versions not stated): gnomAD 0.00004; TOPMed 0.00012; 1000 Genomes Project 0.00020; 1000 Genomes Project 30x 0.00031; ExAC 0.00035; gnomAD exomes 0.00037.

Submissions (10):

CeGaT Center for Human Genetics Tuebingen
Classification: Likely benign. Last evaluated: 2026-08-01. Review status: criteria provided, single submitter. Criteria: CeGaT Center For Human Genetics Tuebingen Variant Classification Criteria Version 2. Collection method: clinical testing. Allele origin: germline. Affected: yes. Observed: 1 variant allele.
Comment: APC: BS1

Labcorp Genetics (formerly Invitae), Labcorp
Classification: Likely benign for Familial adenomatous polyposis 1. Last evaluated: 2026-01-26. Review status: criteria provided, single submitter. Criteria: Invitae Variant Classification Sherloc (09022015). Collection method: clinical testing. Allele origin: germline.

Women's Health and Genetics/Laboratory Corporation of America, LabCorp
Classification: Likely benign. Last evaluated: 2024-03-28. Review status: criteria provided, single submitter. Criteria: LabCorp Variant Classification Summary - May 2015. Collection method: clinical testing. Allele origin: germline.

Blueprint Genetics
Classification: Likely benign. Last evaluated: 2023-09-15. Review status: criteria provided, single submitter. Criteria: ACMG Guidelines, 2015. Collection method: clinical testing. Allele origin: germline.

Quest Diagnostics Nichols Institute San Juan Capistrano
Classification: Benign. Last evaluated: 2021-03-30. Review status: criteria provided, single submitter. Criteria: Quest Diagnostics criteria. Collection method: clinical testing. Allele origin: unknown.

GeneDx
Classification: Likely benign. Last evaluated: 2020-11-24. Review status: criteria provided, single submitter. Criteria: GeneDx Variant Classification Process June 2021. Collection method: clinical testing. Allele origin: germline. Affected: yes.
Comment: This variant is associated with the following publications: (PMID: 15771908)

Sema4
Classification: Likely benign for Hereditary cancer-predisposing syndrome. Last evaluated: 2020-11-10. Review status: criteria provided, single submitter. Criteria: Sema4 Curation Guidelines. Collection method: curation. Allele origin: germline.

Ambry Genetics
Classification: Likely benign for Hereditary cancer-predisposing syndrome. Last evaluated: 2019-02-16. Review status: criteria provided, single submitter. Criteria: Ambry Variant Classification Scheme 2023. Collection method: clinical testing. Allele origin: germline.

Color Diagnostics, LLC DBA Color Health
Classification: Likely benign for Hereditary cancer-predisposing syndrome. Last evaluated: 2018-05-23. Review status: criteria provided, single submitter. Criteria: ACMG Guidelines, 2015. Collection method: clinical testing. Allele origin: germline.

PreventionGenetics, part of Exact Sciences
Classification: Likely benign for APC-related condition. Last evaluated: 2023-03-27. Review status: no assertion criteria provided. Collection method: clinical testing. Allele origin: germline. Not counted in ClinVar's aggregate classification.
Comment: This variant is classified as likely benign based on ACMG/AMP sequence variant interpretation guidelines (Richards et al. 2015 PMID: 25741868, with internal and published modifications).

Literature cited by the submitters: PubMed 31921681 (cited by Women's Health and Genetics/Laboratory Corporation of America, LabCorp and Quest Diagnostics Nichols Institute San Juan Capistrano); PubMed 15771908 (cited by Ambry Genetics).

NM_000038.6(APC):c.8042C>T (p.Pro2681Leu)

Gene: APC (APC regulator of Wnt signaling pathway; plus strand). Cytogenetic location: 5q22.2.
Variant type: single nucleotide variant.
Coding change: c.8042C>T on transcript NM_000038.6 (MANE Select); coding-DNA position 8042, C replaced by T.
Protein change: p.Pro2681Leu; replaces proline 2681 with leucine.
Molecular consequence: missense variant.
Genome position (GRCh38, 1-based): chr5:112,843,636, C>T. VCF-style: chr5-112843636-C-T. GRCh37 (hg19) VCF-style: chr5-112179333-C-T.
Other names: c.8042C>T, p.Pro2681Leu (NM_001127510.3, NM_001354895.2); c.7988C>T, p.Pro2663Leu (NM_001127511.3); c.8096C>T, p.Pro2699Leu (NM_001354896.2); c.8072C>T, p.Pro2691Leu (NM_001354897.2); c.7967C>T, p.Pro2656Leu (NM_001354898.2); c.7958C>T, p.Pro2653Leu (NM_001354899.2); c.7919C>T, p.Pro2640Leu (NM_001354900.2); c.7865C>T, p.Pro2622Leu (NM_001354901.2); and 5 more; short protein forms P2681L, P2663L, P2622L, P2398L, P2555L, P2580L, P2640L, P2653L.
Identifiers: ClinVar variation 135721 (VCV000135721.31), dbSNP rs182456139, ClinGen allele CA014266.